The following is an entry in ClinVar:

NM_201384.3(PLEC):c.3637C>T (p.Arg1213Cys)

Gene: PLEC (plectin; minus strand). Cytogenetic location: 8q24.3.
Variant type: single nucleotide variant.
Coding change: c.3637C>T on transcript NM_201384.3 (MANE Select); coding-DNA position 3637, C replaced by T.
Protein change: p.Arg1213Cys; replaces arginine 1213 with cysteine.
Molecular consequence: missense variant.
Genome position (GRCh38, 1-based): chr8:143,927,529, G>A on the plus strand (C>T on the coding strand, the complement: PLEC is on the minus strand). VCF-style: chr8-143927529-G-A. GRCh37 (hg19) VCF-style: chr8-145001697-G-A.
Other names: c.3718C>T, p.Arg1240Cys (NM_000445.5); c.3595C>T, p.Arg1199Cys (NM_201378.4); c.3571C>T, p.Arg1191Cys (NM_201379.3); c.4048C>T, p.Arg1350Cys (NM_201380.4); c.3541C>T, p.Arg1181Cys (NM_201381.3); c.3637C>T, p.Arg1213Cys (NM_201382.4); c.3649C>T, p.Arg1217Cys (NM_201383.3); short protein forms R1181C, R1191C, R1199C, R1213C, R1217C, R1240C, R1350C.
Identifiers: ClinVar variation 1201755 (VCV001201755.9), dbSNP rs1369858558, ClinGen allele CA372565291.

ClinVar aggregate classification (germline): Uncertain significance. Review status: criteria provided, multiple submitters, no conflicts (2 of 4 stars). 2 submissions from 2 submitters: Uncertain significance (2). Last evaluated 2026-01-14.

Conditions:
Autosomal recessive limb-girdle muscular dystrophy type 2Q (LGMDR17). Also called: MUSCULAR DYSTROPHY, LIMB-GIRDLE, AUTOSOMAL RECESSIVE 17. Identifiers: Orphanet 254361, MedGen C3150989, MONDO:0013390, OMIM 613723.
Epidermolysis bullosa simplex 5B, with muscular dystrophy (EBS5B). Also called: EPIDERMOLYSIS BULLOSA SIMPLEX AND LIMB-GIRDLE MUSCULAR DYSTROPHY; Epidermolysis bullosa simplex with muscular dystrophy. Identifiers: Orphanet 257, MedGen C2931072, MONDO:0009181, OMIM 226670.
Epidermolysis bullosa simplex, Ogna type (EBS5A). Also called: Pidermolysis bullosa simplex 5A, Ogna type; EPIDERMOLYSIS BULLOSA SIMPLEX 5A, OGNA TYPE. Identifiers: Orphanet 79401, MedGen C0432317, MONDO:0007555, OMIM 131950.
Epidermolysis bullosa simplex 5C, with pyloric atresia (EBS5C). Also called: PLEC-Related Epidermolysis Bullosa with Pyloric Atresia; Epidermolysis bullosa simplex with pyloric atresia; PLEC1-Related Epidermolysis Bullosa with Pyloric Atresia. Identifiers: Orphanet 158684, MedGen C2677349, MONDO:0012807, OMIM 612138.
Epidermolysis bullosa simplex with nail dystrophy (EBS5D). Identifiers: MedGen C4225309, MONDO:0014661, OMIM 616487.

Allele frequency attached by ClinVar (database versions not stated): gnomAD 0.00001 and 0.00002; gnomAD exomes 0.00001; TOPMed 0.00002.
gnomAD v4.1: 17 of 1,597,160 alleles (0.0011%); highest among the groups gnomAD compares: Admixed American, 0.0033%; no homozygotes.

Submissions (2):

Labcorp Genetics (formerly Invitae), Labcorp
Classification: Uncertain significance for Autosomal recessive limb-girdle muscular dystrophy type 2Q; Epidermolysis bullosa simplex, Ogna type; Epidermolysis bullosa simplex with nail dystrophy; Epidermolysis bullosa simplex 5C, with pyloric atresia; Epidermolysis bullosa simplex 5B, with muscular dystrophy. Last evaluated: 2026-01-14. Review status: criteria provided, single submitter. Criteria: Invitae Variant Classification Sherloc (09022015). Collection method: clinical testing. Allele origin: germline.
Comment: This sequence change replaces arginine, which is basic and polar, with cysteine, which is neutral and slightly polar, at codon 1240 of the PLEC protein (p.Arg1240Cys). This variant is not present in population databases (gnomAD no frequency). This variant has not been reported in the literature in individuals affected with PLEC-related conditions. ClinVar contains an entry for this variant (Variation ID: 1201755). Invitae Evidence Modeling of protein sequence and biophysical properties (such as structural, functional, and spatial information, amino acid conservation, physicochemical variation, residue mobility, and thermodynamic stability) indicates that this missense variant is not expected to disrupt PLEC protein function with a negative predictive value of 80%. In summary, the available evidence is currently insufficient to determine the role of this variant in disease. Therefore, it has been classified as a Variant of Uncertain Significance.

GeneDx
Classification: Uncertain significance. Last evaluated: 2019-06-25. Review status: criteria provided, single submitter. Criteria: GeneDx Variant Classification Process June 2021. Collection method: clinical testing. Allele origin: germline. Affected: yes.
Comment: Has not been previously published as pathogenic or benign to our knowledge; Not observed in large population cohorts (Lek et al., 2016); In silico analysis, which includes protein predictors and evolutionary conservation, supports a deleterious effect; Missense variant in a gene in which most reported pathogenic variants are truncating/loss-of-function